The following is an entry in ClinVar:

NM_152564.5(VPS13B):c.9637dup (p.Glu3213fs)

Gene: VPS13B (vacuolar protein sorting 13 homolog B; plus strand). Cytogenetic location: 8q22.2.
Variant type: Duplication.
Coding change: c.9637dup on transcript NM_152564.5 (MANE Select); coding-DNA position 9637, one base duplicated (G; older notation c.9637dupG).
Protein change: p.Glu3213fs; shifts the reading frame from glutamic acid 3213.
Molecular consequence: frameshift variant.
Genome position (GRCh38, 1-based): chr8:99,835,219, G duplicated. VCF-style (leftmost placement, unchanged base first): chr8-99835218-A-AG. GRCh37 (hg19) VCF-style: chr8-100847446-A-AG.
Other names: c.9712dup, p.Glu3238fs (NM_017890.5); c.9712dupG (NM_017890.5); short protein forms E3213fs, E3238fs.
Identifiers: ClinVar variation 3256943 (VCV003256943.1).

ClinVar aggregate classification (germline): Likely pathogenic (1 of 4 stars; one submission).

Conditions:
Susceptibility to severe COVID-19.

Submission:

Molecular Medicine Center, Medical University of Sofia
Classification: Likely pathogenic for Susceptibility to severe COVID-19. Last evaluated: 2024-07-22. Review status: criteria provided, single submitter. Criteria: ACMG Guidelines, 2015. Collection method: research. Allele origin: germline. Affected: yes.
Comment: Novel (unreported in gnomAD or dbSNP until April 2024) variant found in severely infected COVID-19 Bulgarian patients in a research study. Variant is classified as likely pathogenic according to the ACMG criteria: PM2,PVS1.